The following is an entry in ClinVar:

ClinVar aggregate classification (germline): Uncertain significance (1 of 4 stars; one submission).

Conditions:
Inborn genetic diseases. Identifiers: MedGen C0950123, MeSH D030342.

Submission:

Ambry Genetics
Classification: Uncertain significance for Inborn genetic diseases. Last evaluated: 2024-08-12. Review status: criteria provided, single submitter. Criteria: Ambry Variant Classification Scheme 2023. Collection method: clinical testing. Allele origin: germline.
Comment: The p.V365L variant (also known as c.1093G>T), located in coding exon 11 of the ERCC2 gene, results from a G to T substitution at nucleotide position 1093. The valine at codon 365 is replaced by leucine, an amino acid with highly similar properties. This amino acid position is conserved. In addition, the in silico prediction for this alteration is inconclusive. Based on the available evidence, the clinical significance of this variant remains unclear.

NM_000400.4(ERCC2):c.1093G>T (p.Val365Leu)

Gene: ERCC2 (ERCC excision repair 2, TFIIH core complex helicase subunit; minus strand). Cytogenetic location: 19q13.32.
Variant type: single nucleotide variant.
Coding change: c.1093G>T on transcript NM_000400.4 (MANE Select); coding-DNA position 1093, G replaced by T.
Protein change: p.Val365Leu; replaces valine 365 with leucine.
Molecular consequence: missense variant.
Genome position (GRCh38, 1-based): chr19:45,363,768, C>A on the plus strand (G>T on the coding strand, the complement: ERCC2 is on the minus strand). VCF-style: chr19-45363768-C-A. GRCh37 (hg19) VCF-style: chr19-45867026-C-A.
Other names: c.1021G>T, p.Val341Leu (NM_001130867.2); short protein forms V365L, V341L.
Identifiers: ClinVar variation 3509812 (VCV003509812.1).